The following is an entry in ClinVar:

ClinVar aggregate classification (germline): Uncertain significance (1 of 4 stars; one submission).

Submission:

GeneDx
Classification: Uncertain significance. Last evaluated: 2024-05-07. Review status: criteria provided, single submitter. Criteria: GeneDx Variant Classification Process June 2021. Collection method: clinical testing. Allele origin: germline. Affected: yes.
Comment: Not observed at significant frequency in large population cohorts (gnomAD); In silico analysis indicates that this missense variant does not alter protein structure/function; Has not been previously published as pathogenic or benign to our knowledge

NM_001846.4(COL4A2):c.3425A>G (p.Gln1142Arg)

Gene: COL4A2 (collagen type IV alpha 2 chain; plus strand). Cytogenetic location: 13q34.
Variant type: single nucleotide variant.
Coding change: c.3425A>G on transcript NM_001846.4 (MANE Select); coding-DNA position 3425, A replaced by G.
Protein change: p.Gln1142Arg; replaces glutamine 1142 with arginine.
Molecular consequence: missense variant.
Genome position (GRCh38, 1-based): chr13:110,491,311, A>G. VCF-style: chr13-110491311-A-G. GRCh37 (hg19) VCF-style: chr13-111143658-A-G.
Other names: short protein forms Q1142R.
Identifiers: ClinVar variation 3375589 (VCV003375589.1).